The following is an entry in ClinVar:

NM_030962.4(SBF2):c.2536+13C>A

Genes: SBF2 (SET binding factor 2; minus strand), LOC101928008 (uncharacterized LOC101928008; plus strand). Cytogenetic location: 11p15.4.
Variant type: single nucleotide variant.
Coding change: c.2536+13C>A on transcript NM_030962.4 (MANE Select); 13 bases into the intron after coding-DNA position 2536, C replaced by A.
Molecular consequence: intron variant.
Genome position (GRCh38, 1-based): chr11:9,853,527, G>T on the plus strand (C>A on the coding strand, the complement: SBF2 is on the minus strand). VCF-style: chr11-9853527-G-T. GRCh37 (hg19) VCF-style: chr11-9875074-G-T.
Other names: c.2407+13C>A (NM_001386342.1); c.2536+13C>A (NM_001386339.1).
Identifiers: ClinVar variation 391077 (VCV000391077.9), dbSNP rs369035547, ClinGen allele CA5881543.

ClinVar aggregate classification (germline): Likely benign. Review status: criteria provided, multiple submitters, no conflicts (2 of 4 stars). 2 submissions from 2 submitters: Likely benign (2). Last evaluated 2025-12-06.

Conditions:
Charcot-Marie-Tooth disease type 4. Also called: Charcot-Marie-Tooth disease, type IV; Charcot-Marie-Tooth, Type 4. Identifiers: Orphanet 64749, MedGen C4082197, MONDO:0018995.

Allele frequency attached by ClinVar (database versions not stated): gnomAD exomes 0.00004 and 0.00005; ExAC 0.00006; gnomAD 0.00010 and 0.00012; TOPMed 0.00010; ESP Exome Variant Server 0.00023.
gnomAD v4.1: 65 of 1,610,140 alleles (0.004%); highest among the groups gnomAD compares: African/African-American, 0.028%; no homozygotes.

Submissions (2):

Labcorp Genetics (formerly Invitae), Labcorp
Classification: Likely benign for Charcot-Marie-Tooth disease type 4. Last evaluated: 2025-12-06. Review status: criteria provided, single submitter. Criteria: Invitae Variant Classification Sherloc (09022015). Collection method: clinical testing. Allele origin: germline.

GeneDx
Classification: Likely benign. Last evaluated: 2017-11-14. Review status: criteria provided, single submitter. Criteria: GeneDx Variant Classification (06012015). Collection method: clinical testing. Allele origin: germline. Affected: yes.
Comment: This variant is considered likely benign or benign based on one or more of the following criteria: it is a conservative change, it occurs at a poorly conserved position in the protein, it is predicted to be benign by multiple in silico algorithms, and/or has population frequency not consistent with disease.